The following is an entry in ClinVar:

NM_001267550.2(TTN):c.88972A>G (p.Ile29658Val)

Genes: TTN (titin; minus strand), TTN-AS1 (TTN antisense RNA 1; plus strand). Cytogenetic location: 2q31.2.
Variant type: single nucleotide variant.
Coding change: c.88972A>G on transcript NM_001267550.2 (MANE Select); coding-DNA position 88972, A replaced by G.
Protein change: p.Ile29658Val; replaces isoleucine 29658 with valine.
Molecular consequence: missense variant.
Genome position (GRCh38, 1-based): chr2:178,554,139, T>C on the plus strand (A>G on the coding strand, the complement: TTN is on the minus strand). VCF-style: chr2-178554139-T-C. GRCh37 (hg19) VCF-style: chr2-179418866-T-C.
Other names: p.I28017V:ATT>GTT; c.84049A>G, p.Ile28017Val (NM_001256850.1); c.61777A>G, p.Ile20593Val (NM_003319.4); c.81268A>G, p.Ile27090Val (NM_133378.4); c.62152A>G, p.Ile20718Val (NM_133432.3); c.62353A>G, p.Ile20785Val (NM_133437.4); short protein forms I27090V, I29658V, I28017V, I20593V, I20718V, I20785V.
Identifiers: ClinVar variation 178175 (VCV000178175.62), dbSNP rs200193877, ClinGen allele CA181653.

ClinVar aggregate classification (germline): Conflicting classifications of pathogenicity. Review status: criteria provided, conflicting classifications (1 of 4 stars). 12 submissions from 12 submitters: Uncertain significance (5); Likely benign (6). 1 of the submissions does not count toward it. Last evaluated 2026-06-01.

Conditions:
TTN-related disorder. Also called: TTN-related disorders; TTN-related condition; TTN-related disease.
Cardiovascular phenotype. Identifiers: MedGen CN230736.
Dilated cardiomyopathy 1G (CMD1G). Identifiers: Orphanet 154, MedGen C1858763, MONDO:0011400, OMIM 604145.
Autosomal recessive limb-girdle muscular dystrophy type 2J (LGMDR10). Also called: Limb-girdle muscular dystrophy, type 2J; MUSCULAR DYSTROPHY, LIMB-GIRDLE, AUTOSOMAL RECESSIVE 10. Identifiers: Orphanet 140922, MedGen C1837342, MONDO:0012127, OMIM 608807.
Abnormality of neuronal migration. Identifiers: MedGen C1837249, HP:0002269.

Allele frequency attached by ClinVar (database versions not stated): ExAC 0.00011; 1000 Genomes Project 30x 0.00016; gnomAD exomes 0.00017 and 0.00046; 1000 Genomes Project 0.00020; gnomAD 0.00024; TOPMed 0.00026; ESP Exome Variant Server 0.00033.
gnomAD v4.1: 740 of 1,613,870 alleles (0.046%); highest among the groups gnomAD compares: Non-Finnish European, 0.057%; 1 homozygote.

Submissions (12):

CeGaT Center for Human Genetics Tuebingen
Classification: Likely benign. Last evaluated: 2026-06-01. Review status: criteria provided, single submitter. Criteria: CeGaT Center For Human Genetics Tuebingen Variant Classification Criteria Version 2. Collection method: clinical testing. Allele origin: germline. Affected: yes. Observed: 3 variant alleles.
Comment: TTN: BP4

PreventionGenetics, part of Exact Sciences
Classification: Likely benign for TTN-related condition. Last evaluated: 2025-05-06. Review status: criteria provided, single submitter. Criteria: ACMG Guidelines, 2015. Collection method: clinical testing. Allele origin: germline.
Comment: This variant is classified as likely benign based on ACMG/AMP sequence variant interpretation guidelines (Richards et al. 2015 PMID: 25741868, with internal and published modifications).

Women's Health and Genetics/Laboratory Corporation of America, LabCorp
Classification: Uncertain significance. Last evaluated: 2024-12-09. Review status: criteria provided, single submitter. Criteria: LabCorp Variant Classification Summary - May 2015. Collection method: clinical testing. Allele origin: germline.
Comment: Variant summary: TTN c.81268A>G (p.Ile27090Val) results in a conservative amino acid change located in the A-band region of the encoded protein sequence. Five of five in-silico tools predict a benign effect of the variant on protein function. The variant allele was found at a frequency of 0.00017 in 247560 control chromosomes. This frequency is not significantly higher than estimated for a pathogenic variant in TTN causing Dilated Cardiomyopathy (0.00017 vs 0.00039), allowing no conclusion about variant significance. c.81268A>G has been reported in the literature in an individual affected with malformation of cortical development (Zillhardt_2016). These report(s) do not provide unequivocal conclusions about association of the variant with Dilated Cardiomyopathy. To our knowledge, no experimental evidence demonstrating an impact on protein function has been reported. The following publication has been ascertained in the context of this evaluation (PMID: 26395554). ClinVar contains an entry for this variant (Variation ID: 178175). Based on the evidence outlined above, the variant was classified as uncertain significance.

Blueprint Genetics
Classification: Likely benign. Last evaluated: 2024-07-04. Review status: criteria provided, single submitter. Criteria: ACMG Guidelines, 2015. Collection method: clinical testing. Allele origin: germline.

GeneDx
Classification: Likely benign. Last evaluated: 2021-05-05. Review status: criteria provided, single submitter. Criteria: GeneDx Variant Classification Process June 2021. Collection method: clinical testing. Allele origin: germline. Affected: yes.
Comment: This variant is associated with the following publications: (PMID: 23861362, 26395554)

Revvity Omics, Revvity
Classification: Uncertain significance. Last evaluated: 2020-09-07. Review status: criteria provided, single submitter. Criteria: ACMG Guidelines, 2015. Collection method: clinical testing. Allele origin: germline.

Ambry Genetics
Classification: Likely benign for Cardiovascular phenotype. Last evaluated: 2018-01-16. Review status: criteria provided, single submitter. Criteria: Ambry Variant Classification Scheme 2023. Collection method: clinical testing. Allele origin: germline.

Labcorp Genetics (formerly Invitae), Labcorp
Classification: Uncertain significance for Dilated cardiomyopathy 1G; Autosomal recessive limb-girdle muscular dystrophy type 2J. Last evaluated: 2017-11-06. Review status: criteria provided, single submitter. Criteria: Invitae Variant Classification Sherloc (09022015). Collection method: clinical testing. Allele origin: germline.

Athena Diagnostics
Classification: Uncertain significance. Last evaluated: 2017-06-05. Review status: criteria provided, single submitter. Criteria: Athena Diagnostics Criteria. Collection method: clinical testing. Allele origin: germline.

Eurofins Ntd Llc (ga)
Classification: Uncertain significance. Last evaluated: 2017-03-04. Review status: criteria provided, single submitter. Criteria: EGL Classification Definitions 2015. Collection method: clinical testing. Allele origin: germline. Observed: 2 variant alleles, 2 heterozygotes.

Laboratory for Molecular Medicine, Mass General Brigham Personalized Medicine
Classification: Likely benign. Last evaluated: 2013-08-02. Review status: criteria provided, single submitter. Criteria: LMM Criteria. Collection method: clinical testing. Allele origin: germline. Observed: 2 variant alleles.
Comment: Ile27090Val in exon 282 of TTN: This variant is not expected to have clinical si gnificance due to a lack of evolutionary conservation. Multiple mammals have a v aline (Val) at this position despite high nearby amino acid conservation. This v ariant has also been identified in 4/8298 European American chromosomes by the N HLBI Exome Sequencing Project (dbSNP rs200193 877).

Génétique et pathophysiologie de maladies neurodéveloppementales et épileptogènes, Institut de génétique et de biologie moléculaire et cellulaire
Classification: Benign for Malformation of Cortical Development. Last evaluated: 2014-10-31. Review status: no assertion criteria provided. Collection method: clinical testing. Allele origin: maternal. Affected: yes. Observed: 2 variant alleles, 1 heterozygote, 1 compound heterozygote. Not counted in ClinVar's aggregate classification.

Literature cited by the submitters: PubMed 26395554 (cited by Women's Health and Genetics/Laboratory Corporation of America, LabCorp); PubMed 23861362 (cited by Athena Diagnostics).